The following is an entry in ClinVar:

ClinVar aggregate classification (germline): Uncertain significance (0 of 4 stars; one submission).

Conditions:
EHHADH-related disorder. Also called: EHHADH-related condition.

gnomAD v4.1: 12 of 1,614,106 alleles (0.00074%); highest among the groups gnomAD compares: Non-Finnish European, 0.00093%; no homozygotes.

Submission:

PreventionGenetics, part of Exact Sciences
Classification: Uncertain significance for EHHADH-related condition. Last evaluated: 2024-07-26. Review status: no assertion criteria provided. Collection method: clinical testing. Allele origin: germline.
Comment: The EHHADH c.1411G>C variant is predicted to result in the amino acid substitution p.Val471Leu. To our knowledge, this variant has not been reported in the literature in individuals affected with EHHADH-related conditions. This variant is reported in 0.0031% of alleles in individuals of European (Non-Finnish) descent in gnomAD. At this time, the clinical significance of this variant is uncertain due to the absence of conclusive functional and genetic evidence.

NM_001966.4(EHHADH):c.1411G>C (p.Val471Leu)

Gene: EHHADH (enoyl-CoA hydratase and 3-hydroxyacyl CoA dehydrogenase; minus strand). Cytogenetic location: 3q27.2.
Variant type: single nucleotide variant.
Coding change: c.1411G>C on transcript NM_001966.4 (MANE Select); coding-DNA position 1411, G replaced by C.
Protein change: p.Val471Leu; replaces valine 471 with leucine.
Molecular consequence: missense variant.
Genome position (GRCh38, 1-based): chr3:185,192,987, C>G on the plus strand (G>C on the coding strand, the complement: EHHADH is on the minus strand). VCF-style: chr3-185192987-C-G. GRCh37 (hg19) VCF-style: chr3-184910775-C-G.
Other names: c.1123G>C, p.Val375Leu (NM_001166415.2); short protein forms V375L, V471L.
Identifiers: ClinVar variation 3350711 (VCV003350711.1).
Genomic context (GRCh38, chr3:185,192,987, plus strand): 5'-GATTGTAGTAAGGATTCAACATTCGATTCCCCACAAATCCAAAACAGTTGCCTACAACGA[C>G]TCCAATCTTTTTAATCTTTTTTGATAAGTTCATAACAGTGGCAATGGTAGTGGGGGAAGA-3'
Protein context (NP_001957.2, residues 461-481): NLSKKIKKIG[Val471Leu]VVGNCFGFVG